The following is an entry in ClinVar:

ClinVar aggregate classification (germline): Conflicting classifications of pathogenicity. Review status: criteria provided, conflicting classifications (1 of 4 stars). 2 submissions from 2 submitters: Likely pathogenic (1); Uncertain significance (1). Last evaluated 2024-11-25.

Submissions (2):

Blueprint Genetics
Classification: Uncertain significance. Last evaluated: 2024-11-25. Review status: criteria provided, single submitter. Criteria: ACMG Guidelines, 2015. Collection method: clinical testing. Allele origin: germline.

Labcorp Genetics (formerly Invitae), Labcorp
Classification: Likely pathogenic. Last evaluated: 2022-08-07. Review status: criteria provided, single submitter. Criteria: Invitae Variant Classification Sherloc (09022015). Collection method: clinical testing. Allele origin: germline.
Comment: In summary, the currently available evidence indicates that the variant is pathogenic, but additional data are needed to prove that conclusively. Therefore, this variant has been classified as Likely Pathogenic. Algorithms developed to predict the effect of sequence changes on RNA splicing suggest that this variant may disrupt the consensus splice site. This variant has not been reported in the literature in individuals affected with TRPM1-related conditions. This variant is present in population databases (rs763677632, gnomAD 0.002%). This variant results in the deletion of part of exon 14 of the TRPM1 gene. It is expected to disrupt RNA splicing. Variants that disrupt the donor or acceptor splice site typically lead to a loss of protein function (PMID: 16199547), and loss-of-function variants in TRPM1 are known to be pathogenic (PMID: 19896113, 19966281, 20300565).

Literature cited by the submitters: PubMed 16199547 (cited by Labcorp Genetics (formerly Invitae), Labcorp); PubMed 19896113 (cited by Labcorp Genetics (formerly Invitae), Labcorp); PubMed 19966281 (cited by Labcorp Genetics (formerly Invitae), Labcorp); PubMed 20300565 (cited by Labcorp Genetics (formerly Invitae), Labcorp).

NM_001252024.2(TRPM1):c.1624-8_1629del

Gene: TRPM1 (transient receptor potential cation channel subfamily M member 1; minus strand). Cytogenetic location: 15q13.3.
Variant type: Deletion.
Coding change: c.1624-8_1629del on transcript NM_001252024.2 (MANE Select); 8 bases into the intron before coding-DNA position 1624 through coding-DNA position 1629, 14 bases deleted (TTTTACAGAGCAAC).
Molecular consequence: splice acceptor variant.
Genome position (GRCh38, 1-based): chr15:31,047,246-31,047,259, GTTGCTCTGTAAAA deleted on the plus strand (TTTTACAGAGCAAC on the coding strand, the reverse complement: TRPM1 is on the minus strand); deleting any 14 consecutive bases within chr15:31,047,246-31,047,260 gives the same sequence; the c. name uses the placement nearest the transcript's 3' end. VCF-style (leftmost placement, unchanged base first): chr15-31047245-GGTTGCTCTGTAAAA-G. GRCh37 (hg19) VCF-style: chr15-31339448-GGTTGCTCTGTAAAA-G.
Other names: c.1675-8_1680del (NM_001252020.2); c.1558-8_1563del (NM_002420.6).
Identifiers: ClinVar variation 1945264 (VCV001945264.6), dbSNP rs763677632, ClinGen allele CA7452488.
Genomic context (GRCh38, chr15:31,047,245, plus strand): 5'-CCATGAGGTACTCCAGCACGAGCCCGATGTCTATGAGGCTGATGTGGTAATCAGGCGGAA[GGTTGCTCTGTAAAA>G]GAAGTCTGGTCTCAGGCCCTGTGAGAATGCGTTCGCAGTGTGGACTTCATCACACGTCTA-3'